The following is an entry in ClinVar:

ClinVar aggregate classification (germline): Pathogenic (1 of 4 stars; one submission).

Conditions:
LRP6-related disorder. Also called: LRP6-related condition.

gnomAD v4.1: 1 of 1,613,842 alleles (0.000062%); highest among the groups gnomAD compares: African/African-American, 0.0013%; no homozygotes.

Submission:

PreventionGenetics, part of Exact Sciences
Classification: Pathogenic for LRP6-related condition. Last evaluated: 2025-08-06. Review status: criteria provided, single submitter. Criteria: ACMG Guidelines, 2015. Collection method: clinical testing. Allele origin: germline.
Comment: The LRP6 c.1681C>T variant is predicted to result in premature protein termination (p.Arg561*). This variant was reported in an individual with oligodontia (Yu et al. 2021. PubMed ID: 33164649). This variant is reported in 0.0062% of alleles in individuals of African descent in gnomAD. Nonsense variants in LRP6 are expected to be pathogenic. This variant is interpreted as pathogenic.

NM_002336.3(LRP6):c.1681C>T (p.Arg561Ter)

Gene: LRP6 (LDL receptor related protein 6; minus strand). Cytogenetic location: 12p13.2.
Variant type: single nucleotide variant.
Coding change: c.1681C>T on transcript NM_002336.3 (MANE Select); coding-DNA position 1681, C replaced by T.
Protein change: p.Arg561Ter; replaces arginine 561 with a stop codon.
Molecular consequence: nonsense. On other transcripts: non-coding transcript variant (1), intron variant (1).
Genome position (GRCh38, 1-based): chr12:12,165,160, G>A on the plus strand (C>T on the coding strand, the complement: LRP6 is on the minus strand). VCF-style: chr12-12165160-G-A. GRCh37 (hg19) VCF-style: chr12-12318094-G-A.
Other names: c.1681C>T, p.Arg561Ter (NM_001414244.1, NM_001414245.1, NM_001414246.1 and 4 more transcripts); c.1483C>T, p.Arg495Ter (NM_001414247.1); c.1228C>T, p.Arg410Ter (NM_001414252.1, NM_001414253.1, NM_001414254.1); c.1546-2741C>T (NM_001414255.1); short protein forms R495*, R561*, R410*.
Identifiers: ClinVar variation 4999703 (VCV004999703.1).
Genomic context (GRCh38, chr12:12,165,160, plus strand): 5'-TAGCCTTTAGGCCCATGAGGTCAGGCAGCTGATCTATGATCACTTCCCTCTCTGCACTTC[G>A]TTTATGAACTCTTTCAATGCTACGCCTCTGCCAGTCAGTCCAGTAAACATAGTCACCCAA-3'